The following is an entry in ClinVar:

NM_000426.4(LAMA2):c.4523+19C>T

Gene: LAMA2 (laminin subunit alpha 2; plus strand). Cytogenetic location: 6q22.33.
Variant type: single nucleotide variant.
Coding change: c.4523+19C>T on transcript NM_000426.4 (MANE Select); 19 bases into the intron after coding-DNA position 4523, C replaced by T.
Molecular consequence: intron variant.
Genome position (GRCh38, 1-based): chr6:129,349,403, C>T. VCF-style: chr6-129349403-C-T. GRCh37 (hg19) VCF-style: chr6-129670548-C-T.
Other names: c.4523+19C>T (NM_001079823.2).
Identifiers: ClinVar variation 92960 (VCV000092960.19), dbSNP rs17057158, ClinGen allele CA146126.
Genomic context (GRCh38, chr6:129,349,403, plus strand): 5'-CACGGCTTGTCCACGGGGATATGAAGGCCAGTACTGTGAAAGGTACCAACAGCCATGAAA[C>T]GTACAGAGTAATGATATGTAGGGACTATATGGTAAAGGGTCACAATAGGAAAACATTCAT-3'

ClinVar aggregate classification (germline): Benign. Review status: criteria provided, multiple submitters, no conflicts (2 of 4 stars). 8 submissions from 8 submitters: Benign (5). 3 of the submissions do not count toward it. Last evaluated 2026-02-04.

Conditions:
Merosin deficient congenital muscular dystrophy (MDC1A). Also called: Congenital merosin-deficient muscular dystrophy 1A; Congenital Muscular Dystrophy Type 1A (MDC1A). Identifiers: Orphanet 258, MedGen C1263858, MONDO:0011925, OMIM 607855.
LAMA2-related muscular dystrophy (LAMA2-RD). Also called: Laminin alpha 2-related dystrophy. Identifiers: MedGen C5679788, MONDO:0100228.

Allele frequency attached by ClinVar (database versions not stated): ESP Exome Variant Server 0.08004; gnomAD 0.08168 and 0.08310; ExAC 0.08587; gnomAD exomes 0.08911; TOPMed 0.08995; 1000 Genomes Project 0.09704; 1000 Genomes Project 30x 0.09931.
gnomAD v4.1: 106,321 of 1,573,726 alleles (6.8%); highest among the groups gnomAD compares: Admixed American, 17%; 4,646 homozygotes.

Submissions (8):

Labcorp Genetics (formerly Invitae), Labcorp
Classification: Benign for LAMA2-related muscular dystrophy. Last evaluated: 2026-02-04. Review status: criteria provided, single submitter. Criteria: Invitae Variant Classification Sherloc (09022015). Collection method: clinical testing. Allele origin: germline.

Blueprint Genetics
Classification: Benign. Last evaluated: 2024-11-27. Review status: criteria provided, single submitter. Criteria: ACMG Guidelines, 2015. Collection method: clinical testing. Allele origin: germline.

GeneDx
Classification: Benign. Last evaluated: 2016-02-03. Review status: criteria provided, single submitter. Criteria: GeneDx Variant Classification (06012015). Collection method: clinical testing. Allele origin: germline. Affected: yes.
Comment: This variant is considered likely benign or benign based on one or more of the following criteria: it is a conservative change, it occurs at a poorly conserved position in the protein, it is predicted to be benign by multiple in silico algorithms, and/or has population frequency not consistent with disease.

Eurofins Ntd Llc (ga)
Classification: Benign. Last evaluated: 2012-09-21. Review status: criteria provided, single submitter. Criteria: EGL Classification Definitions 2015. Collection method: clinical testing. Allele origin: germline. Observed: 12 variant alleles, 11 heterozygotes, 1 homozygote.

PreventionGenetics, part of Exact Sciences
Classification: Benign. Review status: criteria provided, single submitter. Criteria: ACMG Guidelines, 2015. Collection method: clinical testing. Allele origin: germline.

Clinical Genetics, Academic Medical Center
Classification: Likely benign. Review status: no assertion criteria provided. Collection method: clinical testing. Allele origin: germline. Affected: yes. Study: VKGL Data-share Consensus. Not counted in ClinVar's aggregate classification.

Diagnostic Laboratory, Department of Genetics, University Medical Center Groningen
Classification: Benign for Merosin deficient congenital muscular dystrophy. Review status: no assertion criteria provided. Collection method: clinical testing. Allele origin: germline. Affected: yes. Study: VKGL Data-share Consensus. Not counted in ClinVar's aggregate classification.

Joint Genome Diagnostic Labs from Nijmegen and Maastricht, Radboudumc and MUMC+
Classification: Benign. Review status: no assertion criteria provided. Collection method: clinical testing. Allele origin: germline. Affected: yes. Study: VKGL Data-share Consensus. Not counted in ClinVar's aggregate classification.